The following is an entry in ClinVar:

ClinVar aggregate classification (germline): Uncertain significance (1 of 4 stars; one submission).

Conditions:
Inborn genetic diseases. Identifiers: MedGen C0950123, MeSH D030342.

Submission:

Ambry Genetics
Classification: Uncertain significance for Inborn genetic diseases. Last evaluated: 2026-08-29. Review status: criteria provided, single submitter. Criteria: Ambry Variant Classification Scheme 2023. Collection method: clinical testing. Allele origin: germline.
Comment: The p.R1054S variant (also known as c.3162A>T), located in coding exon 32 of the FANCA gene, results from an A to T substitution at nucleotide position 3162. The arginine at codon 1054 is replaced by serine, an amino acid with dissimilar properties. This amino acid position is conserved. In addition, this alteration is predicted to be tolerated by in silico analysis. Based on the available evidence, the clinical significance of this variant remains unclear.

NM_000135.4(FANCA):c.3162A>T (p.Arg1054Ser)

Gene: FANCA (FA complementation group A; minus strand). Cytogenetic location: 16q24.3.
Variant type: single nucleotide variant.
Coding change: c.3162A>T on transcript NM_000135.4 (MANE Select); coding-DNA position 3162, A replaced by T.
Protein change: p.Arg1054Ser; replaces arginine 1054 with serine.
Molecular consequence: missense variant.
Genome position (GRCh38, 1-based): chr16:89,749,807, T>A on the plus strand (A>T on the coding strand, the complement: FANCA is on the minus strand). VCF-style: chr16-89749807-T-A. GRCh37 (hg19) VCF-style: chr16-89816215-T-A.
Other names: c.3162A>T, p.Arg1054Ser (NM_001286167.3); short protein forms R1054S.
Identifiers: ClinVar variation 5036439 (VCV005036439.1).